The following is an entry in ClinVar:

NM_001267550.2(TTN):c.2047C>A (p.Gln683Lys)

Gene: TTN (titin; minus strand). Cytogenetic location: 2q31.2.
Variant type: single nucleotide variant.
Coding change: c.2047C>A on transcript NM_001267550.2 (MANE Select); coding-DNA position 2047, C replaced by A.
Protein change: p.Gln683Lys; replaces glutamine 683 with lysine.
Molecular consequence: missense variant.
Genome position (GRCh38, 1-based): chr2:178,789,389, G>T on the plus strand (C>A on the coding strand, the complement: TTN is on the minus strand). VCF-style: chr2-178789389-G-T. GRCh37 (hg19) VCF-style: chr2-179654116-G-T.
Other names: c.2047C>A, p.Gln683Lys (NM_001256850.1, NM_133378.4, NM_133379.5); c.1909C>A, p.Gln637Lys (NM_003319.4, NM_133432.3, NM_133437.4); short protein forms Q637K, Q683K.
Identifiers: ClinVar variation 4281871 (VCV004281871.1).

ClinVar aggregate classification (germline): Uncertain significance (1 of 4 stars; one submission).

gnomAD v4.1: 2 of 1,613,420 alleles (0.00012%); highest among the groups gnomAD compares: Non-Finnish European, 0.00017%; no homozygotes.

Submission:

GeneDx
Classification: Uncertain significance. Last evaluated: 2025-04-09. Review status: criteria provided, single submitter. Criteria: GeneDx Variant Classification Process June 2021. Collection method: clinical testing. Allele origin: germline. Affected: yes.
Comment: Not observed at significant frequency in large population cohorts (gnomAD); Missense variant in a gene in which most reported pathogenic variants are truncating/loss of function; Has not been previously published as pathogenic or benign to our knowledge